The following is an entry in ClinVar:

ClinVar aggregate classification (germline): Likely pathogenic. Review status: criteria provided, multiple submitters, no conflicts (2 of 4 stars). 5 submissions from 5 submitters: Likely pathogenic (4). 1 of the submissions does not count toward it. Last evaluated 2025-09-09.

Conditions:
ABCA4-related disorder. Also called: ABCA4-related condition; ABCA4-related disorders. Identifiers: MedGen CN239167.
Retinitis pigmentosa (RP). Identifiers: Orphanet 791, MedGen C0035334, MeSH D012174, MONDO:0019200, OMIM 268000. Inheritance: Autosomal dominant, autosomal recessive and X linked inheritance.

Allele frequency attached by ClinVar (database versions not stated): gnomAD 0.00001; TOPMed 0.00001; gnomAD exomes 0.00003; ExAC 0.00004; 1000 Genomes Project 0.00020; 1000 Genomes Project 30x 0.00031.
gnomAD v4.1: 24 of 1,614,120 alleles (0.0015%); highest among the groups gnomAD compares: Middle Eastern, 0.016%; no homozygotes.

Submissions (5):

3billion
Classification: Likely pathogenic for ABCA4-related disorder. Last evaluated: 2025-09-09. Review status: criteria provided, single submitter. Criteria: ACMG Guidelines, 2015. Collection method: clinical testing. Allele origin: germline. Affected: yes.
Comment: The variant is observed at an extremely low frequency in the gnomAD v4.1.0 dataset (total allele frequency: 0.001%). Predicted Consequence/Location: Missense variant In silico tool predictions suggest damaging effect of the variant on gene or gene product [REVEL: 0.81 (>=0.6, sensitivity 0.68 and specificity 0.92); 3Cnet: 0.87 (> 0.75, sensitivity 0.96 and precision 0.92)]. The same nucleotide change resulting in the same amino acid change has been previously reported to be associated with ABCA4-related disorder (ClinVar ID: VCV000452706 /PMID: 29925512).A different missense change at the same codon (p.Arg1161His) has been reported as pathogenic/likely pathogenic with strong evidence (ClinVar ID: VCV000236102 /PMID: 26780318). Therefore, this variant is classified as Likely pathogenic according to the recommendation of ACMG/AMP guideline.

Women's Health and Genetics/Laboratory Corporation of America, LabCorp
Classification: Likely pathogenic for Retinitis pigmentosa. Last evaluated: 2025-04-08. Review status: criteria provided, single submitter. Criteria: LabCorp Variant Classification Summary - May 2015. Collection method: clinical testing. Allele origin: germline.
Comment: Variant summary: ABCA4 c.3481C>T (p.Arg1161Cys) results in a non-conservative amino acid change in the encoded protein sequence. Five of five in-silico tools predict a damaging effect of the variant on protein function. The variant allele was found at a frequency of 2.8e-05 in 251460 control chromosomes. c.3481C>T has been reported in the literature in individuals affected with Retinitis Pigmentosa (Lin_2024, Fujinam_2019). These data indicate that the variant may be associated with disease. A different variant affecting the same codon has been classified as pathogenic by our lab (c.3482G>A, p.Arg1161His), supporting the critical relevance of codon 1161 to ABCA4 protein function. To our knowledge, no experimental evidence demonstrating an impact on protein function has been reported. The following publications have been ascertained in the context of this evaluation (PMID: 29925512, 38219857). ClinVar contains an entry for this variant (Variation ID: 452706). Based on the evidence outlined above, the variant was classified as likely pathogenic.

Blueprint Genetics
Classification: Likely pathogenic for ABCA4-related disorders. Last evaluated: 2024-02-29. Review status: criteria provided, single submitter. Criteria: ACMG Guidelines, 2015. Collection method: clinical testing. Allele origin: germline. Affected: yes. Observed: 5 variant alleles.

Labcorp Genetics (formerly Invitae), Labcorp
Classification: Likely pathogenic. Last evaluated: 2023-12-25. Review status: criteria provided, single submitter. Criteria: Invitae Variant Classification Sherloc (09022015). Collection method: clinical testing. Allele origin: germline.
Comment: This sequence change replaces arginine, which is basic and polar, with cysteine, which is neutral and slightly polar, at codon 1161 of the ABCA4 protein (p.Arg1161Cys). This variant is present in population databases (rs553776104, gnomAD 0.01%). This missense change has been observed in individual(s) with Stargardt disease (PMID: 29925512). ClinVar contains an entry for this variant (Variation ID: 452706). Advanced modeling of protein sequence and biophysical properties (such as structural, functional, and spatial information, amino acid conservation, physicochemical variation, residue mobility, and thermodynamic stability) performed at Invitae indicates that this missense variant is expected to disrupt ABCA4 protein function with a positive predictive value of 95%. This variant disrupts the p.Arg1161 amino acid residue in ABCA4. Other variant(s) that disrupt this residue have been determined to be pathogenic (PMID: 26780318, 29925512, 31814694). This suggests that this residue is clinically significant, and that variants that disrupt this residue are likely to be disease-causing. In summary, the currently available evidence indicates that the variant is pathogenic, but additional data are needed to prove that conclusively. Therefore, this variant has been classified as Likely Pathogenic.

GeneDx
Classification: Uncertain significance. Last evaluated: 2019-08-07. Review status: flagged submission. Criteria: GeneDx Variant Classification Process June 2021. Collection method: clinical testing. Allele origin: germline. Affected: yes. Not counted in ClinVar's aggregate classification.
Comment: In silico analysis, which includes protein predictors and evolutionary conservation, supports a deleterious effect; Has not been previously published as pathogenic or benign to our knowledge; This variant is associated with the following publications: (PMID: 29925512)
ClinVar note: Reason: Older claim that does not account for recent evidence

Literature cited by the submitters: PubMed 29925512 (cited by 3 submitters); PubMed 26780318 (cited by 3billion and Labcorp Genetics (formerly Invitae), Labcorp); PubMed 38219857 (cited by Women's Health and Genetics/Laboratory Corporation of America, LabCorp); PubMed 31814694 (cited by Labcorp Genetics (formerly Invitae), Labcorp).

NM_000350.3(ABCA4):c.3481C>T (p.Arg1161Cys)

Gene: ABCA4 (ATP binding cassette subfamily A member 4; minus strand). Cytogenetic location: 1p22.1.
Variant type: single nucleotide variant.
Coding change: c.3481C>T on transcript NM_000350.3 (MANE Select); coding-DNA position 3481, C replaced by T.
Protein change: p.Arg1161Cys; replaces arginine 1161 with cysteine.
Molecular consequence: missense variant.
Genome position (GRCh38, 1-based): chr1:94,041,250, G>A on the plus strand (C>T on the coding strand, the complement: ABCA4 is on the minus strand). VCF-style: chr1-94041250-G-A. GRCh37 (hg19) VCF-style: chr1-94506806-G-A.
Other names: c.3259C>T, p.Arg1087Cys (NM_001425324.1); short protein forms R1161C, R1087C.
Identifiers: ClinVar variation 452706 (VCV000452706.17), dbSNP rs553776104, ClinGen allele CA957929.
Genomic context (GRCh38, chr1:94,041,250, plus strand): 5'-TCCCTGGGCAGACACCTACCTCACTGCCTTTCCTTTGGCTCTGGATGTTTTTCATCTTGC[G>A]CACCAAGGTTAAGTACAAGCCTGTGCCAAAGCAGTTCTTCAGGAAGAGTGGGGTGCCTGA-3'
Protein context (NP_000341.2, residues 1151-1171): FGTGLYLTLV[Arg1161Cys]KMKNIQSQRK